The following is an entry in ClinVar:

NM_000540.3(RYR1):c.10218C>T (p.Tyr3406=)

Gene: RYR1 (ryanodine receptor 1; plus strand). Cytogenetic location: 19q13.2.
Variant type: single nucleotide variant.
Coding change: c.10218C>T on transcript NM_000540.3 (MANE Select); coding-DNA position 10218, C replaced by T.
Protein change: p.Tyr3406=; no amino-acid change (tyrosine 3406 retained).
Molecular consequence: synonymous variant.
Genome position (GRCh38, 1-based): chr19:38,519,413, C>T. VCF-style: chr19-38519413-C-T. GRCh37 (hg19) VCF-style: chr19-39010053-C-T.
Other names: p.Tyr3406=; c.10218C>T, p.Tyr3406= (NM_001042723.2).
Identifiers: ClinVar variation 93240 (VCV000093240.34), dbSNP rs41274330, ClinGen allele CA023824.
Genomic context (GRCh38, chr19:38,519,413, plus strand): 5'-GGCCCAGGAGGGCGAGCTGCTGGTGCGGGACGAGTTCTCTGTGCTCTGCCGGGACCTCTA[C>T]GCCCTGTATCCGCTGCTCATCCGCTACGTGGACAACAACAGGTCAGCGGGGCCCCGCTGT-3'
Protein context (NP_000531.2, residues 3396-3416): DEFSVLCRDL[Tyr3406=]ALYPLLIRYV

ClinVar aggregate classification (germline): Benign. Review status: criteria provided, multiple submitters, no conflicts (2 of 4 stars). 17 submissions from 14 submitters: Benign (14). 3 of the submissions do not count toward it. Last evaluated 2026-02-04.

Conditions:
RYR1-related disorder. Also called: RYR1-related condition; RYR1-related disorders. Identifiers: MedGen CN239331.
King Denborough syndrome (KDS). Identifiers: MedGen C1840365, MONDO:0020485, OMIM 619542.
Central core myopathy (CMYO1A). Also called: CONGENITAL MYOPATHY 1A, AUTOSOMAL DOMINANT, WITH SUSCEPTIBILITY TO MALIGNANT HYPERTHERMIA; Central core disease; Myopathy, central fibrillar. Identifiers: Orphanet 597, MedGen C5830701, MONDO:0007294, OMIM 117000.
Congenital multicore myopathy with external ophthalmoplegia (CMYO1B). Also called: Congenital myopathy 1B, autosomal recessive; Minicore myopathy; Minicore myopathy with external ophthalmoplegia; MULTIMINICORE DISEASE WITH EXTERNAL OPHTHALMOPLEGIA; MULTICORE MYOPATHY. Identifiers: Orphanet 598, Orphanet 98905, MedGen C1850674, MONDO:0009712, OMIM 255320, HP:0003789.
Malignant hyperthermia, susceptibility to, 1 (MHS1). Also called: RYR1-Related Malignant Hyperthermia Susceptibility; Malignant hyperthermia suceptibility 1; Anesthesia related hyperthermia; Malignant hyperpyrexia; Fulminating hyperpyrexia; Pharmacogenic myopathy. Identifiers: Orphanet 423, MedGen C2930980, MONDO:0007783, OMIM 145600.

Allele frequency attached by ClinVar (database versions not stated): ESP Exome Variant Server 0.03439; gnomAD 0.03876 and 0.04689; TOPMed 0.04469; gnomAD exomes 0.05962 and 0.07587; 1000 Genomes Project 30x 0.09354; 1000 Genomes Project 0.10224; ExAC 0.10549.
gnomAD v4.1: 93,922 of 1,601,676 alleles (5.9%); highest among the groups gnomAD compares: South Asian, 21%; 4,521 homozygotes.

Submissions (17):

Labcorp Genetics (formerly Invitae), Labcorp
Classification: Benign for RYR1-related disorder. Last evaluated: 2026-02-04. Review status: criteria provided, single submitter. Criteria: Invitae Variant Classification Sherloc (09022015). Collection method: clinical testing. Allele origin: germline.

Color Diagnostics, LLC DBA Color Health
Classification: Benign for Malignant hyperthermia, susceptibility to, 1. Last evaluated: 2022-08-17. Review status: criteria provided, single submitter. Criteria: ACMG Guidelines, 2015. Collection method: clinical testing. Allele origin: germline.

Genome-Nilou Lab
Classification: Benign for Central core myopathy. Last evaluated: 2021-11-07. Review status: criteria provided, single submitter. Criteria: ACMG Guidelines, 2015. Collection method: clinical testing. Allele origin: germline. Affected: no.

Genome-Nilou Lab
Classification: Benign for King Denborough syndrome. Last evaluated: 2021-11-07. Review status: criteria provided, single submitter. Criteria: ACMG Guidelines, 2015. Collection method: clinical testing. Allele origin: germline. Affected: no.

Genome-Nilou Lab
Classification: Benign for Congenital multicore myopathy with external ophthalmoplegia. Last evaluated: 2021-11-07. Review status: criteria provided, single submitter. Criteria: ACMG Guidelines, 2015. Collection method: clinical testing. Allele origin: germline. Affected: no.

PreventionGenetics, part of Exact Sciences
Classification: Benign. Last evaluated: 2018-03-20. Review status: criteria provided, single submitter. Criteria: ACMG Guidelines, 2015. Collection method: clinical testing. Allele origin: germline.

Illumina Laboratory Services, Illumina
Classification: Benign for Malignant hyperthermia, susceptibility to, 1. Last evaluated: 2018-01-12. Review status: criteria provided, single submitter. Criteria: ICSL Variant Classification Criteria 13 December 2019. Collection method: clinical testing. Allele origin: germline.
Comment: This variant was observed in the ICSL laboratory as part of a predisposition screen in an ostensibly healthy population. It had not been previously curated by ICSL or reported in the Human Gene Mutation Database (HGMD: prior to June 1st, 2018), and was therefore a candidate for classification through an automated scoring system. Utilizing variant allele frequency, disease prevalence and penetrance estimates, and inheritance mode, an automated score was calculated to assess if this variant is too frequent to cause the disease. Based on the score and internal cut-off values, a variant classified as benign is not then subjected to further curation. The score for this variant resulted in a classification of benign for this disease.

Illumina Laboratory Services, Illumina
Classification: Benign for Congenital multicore myopathy with external ophthalmoplegia. Last evaluated: 2018-01-12. Review status: criteria provided, single submitter. Criteria: ICSL Variant Classification Criteria 13 December 2019. Collection method: clinical testing. Allele origin: germline.
Comment: the same text as in the submission from Illumina Laboratory Services, Illumina above.

Mayo Clinic Laboratories, Mayo Clinic
Classification: Benign. Last evaluated: 2017-08-24. Review status: criteria provided, single submitter. Criteria: ACMG Guidelines, 2015. Collection method: clinical testing. Allele origin: germline. Observed: 81 variant alleles.

GeneDx
Classification: Benign. Last evaluated: 2016-02-08. Review status: criteria provided, single submitter. Criteria: GeneDx Variant Classification (06012015). Collection method: clinical testing. Allele origin: germline. Affected: yes.
Comment: This variant is considered likely benign or benign based on one or more of the following criteria: it is a conservative change, it occurs at a poorly conserved position in the protein, it is predicted to be benign by multiple in silico algorithms, and/or has population frequency not consistent with disease.

Laboratory for Molecular Medicine, Mass General Brigham Personalized Medicine
Classification: Benign. Last evaluated: 2015-01-13. Review status: criteria provided, single submitter. Criteria: LMM Criteria. Collection method: clinical testing. Allele origin: germline. Observed: 2 variant alleles.
Comment: p.Tyr3406Tyr in exon 67 of RYR1: This variant is not expected to have clinical s ignificance because it does not alter an amino acid residue and is not located w ithin the splice consensus sequence. It has been identified in 4.6% (393/8598) o f European American chromosomes from a broad population by the NHLBI Exome Seque ncing Project (dbSNP rs41274330).

Eurofins Ntd Llc (ga)
Classification: Benign. Last evaluated: 2014-07-14. Review status: criteria provided, single submitter. Criteria: EGL Classification Definitions 2015. Collection method: clinical testing. Allele origin: germline. Observed: 5 variant alleles, 5 heterozygotes.

Genetic Services Laboratory, University of Chicago
Classification: Benign. Last evaluated: 2013-02-08. Review status: criteria provided, single submitter. Criteria: ACMG Guidelines, 2007. Collection method: clinical testing. Allele origin: germline. Inheritance: Autosomal unknown.

Breakthrough Genomics
Classification: Benign. Review status: criteria provided, single submitter. Criteria: ACMG Guidelines, 2015. Collection method: not provided. Allele origin: germline. Inheritance: Autosomal recessive inheritance. Affected: yes.

Clinical Genetics, Academic Medical Center
Classification: Benign. Review status: no assertion criteria provided. Collection method: clinical testing. Allele origin: germline. Affected: yes. Study: VKGL Data-share Consensus. Not counted in ClinVar's aggregate classification.

Joint Genome Diagnostic Labs from Nijmegen and Maastricht, Radboudumc and MUMC+
Classification: Benign. Review status: no assertion criteria provided. Collection method: clinical testing. Allele origin: germline. Affected: yes. Study: VKGL Data-share Consensus. Not counted in ClinVar's aggregate classification.

RYR1 database
No classification provided. Review status: no classification provided. Collection method: not provided. Allele origin: unknown. Not counted in ClinVar's aggregate classification.